The following is an entry in ClinVar:

ClinVar aggregate classification (germline): Uncertain significance (1 of 4 stars; one submission).

Conditions:
Inborn genetic diseases. Identifiers: MedGen C0950123, MeSH D030342.

Submission:

Ambry Genetics
Classification: Uncertain significance for Inborn genetic diseases. Last evaluated: 2018-02-08. Review status: criteria provided, single submitter. Criteria: Ambry Variant Classification Scheme 2023. Collection method: clinical testing. Allele origin: germline.
Comment: The p.Q211P variant (also known as c.632A>C), located in coding exon 1 of the ARID1B gene, results from an A to C substitution at nucleotide position 632. The glutamine at codon 211 is replaced by proline, an amino acid with similar properties. This amino acid position is conserved on limited sequence alignment. In addition, this alteration is predicted to be tolerated by in silico analysis. Since supporting evidence is limited at this time, the clinical significance of this alteration remains unclear.

NM_001374828.1(ARID1B):c.881A>C (p.Gln294Pro)

Genes: ARID1B (AT-rich interaction domain 1B; plus strand), LOC129997525 (ATAC-STARR-seq lymphoblastoid silent region 17712; plus strand). Cytogenetic location: 6q25.3.
Variant type: single nucleotide variant.
Coding change: c.881A>C on transcript NM_001374828.1 (MANE Select); coding-DNA position 881, A replaced by C.
Protein change: p.Gln294Pro; replaces glutamine 294 with proline.
Molecular consequence: missense variant.
Genome position (GRCh38, 1-based): chr6:156,778,561, A>C. VCF-style: chr6-156778561-A-C. GRCh37 (hg19) VCF-style: chr6-157099695-A-C.
Other names: c.632A>C, p.Gln211Pro (NM_001346813.1, NM_020732.3); c.881A>C, p.Gln294Pro (NM_001371656.1, NM_001374820.1, NM_017519.3); c.458A>C, p.Gln153Pro (NM_175863.2); short protein forms Q211P, Q294P, Q153P.
Identifiers: ClinVar variation 1752882 (VCV001752882.2), dbSNP rs2114978616, ClinGen allele CA366382321.
Genomic context (GRCh38, chr6:156,778,561, plus strand): 5'-AGATGGGGGAGCCGGCGGGCGGCCGCTACGAGCACCCGGGCTTGGGCGCCCTGGGCACGC[A>C]GCAGCCGCCGGTCGCCGTGCCCGGGGGCGGCGGCGGCCCGGCGGCCGTCCCGGAGTTTAA-3'
Protein context (NP_001361757.1, residues 284-304): EHPGLGALGT[Gln294Pro]QPPVAVPGGG